The following is an entry in ClinVar:

ClinVar aggregate classification (germline): Uncertain significance (1 of 4 stars; one submission).

Conditions:
DNA ligase IV deficiency. Identifiers: Orphanet 99812, MedGen C1847827, MONDO:0011686, OMIM 606593.

Allele frequency attached by ClinVar (database versions not stated): gnomAD 0.00002.
gnomAD v4.1: 3 of 1,614,104 alleles (0.00019%); highest among the groups gnomAD compares: Middle Eastern, 0.049%; no homozygotes.

Submission:

Labcorp Genetics (formerly Invitae), Labcorp
Classification: Uncertain significance for DNA ligase IV deficiency. Last evaluated: 2025-08-15. Review status: criteria provided, single submitter. Criteria: Invitae Variant Classification Sherloc (09022015). Collection method: clinical testing. Allele origin: germline.
Comment: This sequence change replaces alanine, which is neutral and non-polar, with glycine, which is neutral and non-polar, at codon 533 of the LIG4 protein (p.Ala533Gly). This variant is not present in population databases (gnomAD no frequency). This variant has not been reported in the literature in individuals affected with LIG4-related conditions. ClinVar contains an entry for this variant (Variation ID: 2165524). Invitae Evidence Modeling of protein sequence and biophysical properties (such as structural, functional, and spatial information, amino acid conservation, physicochemical variation, residue mobility, and thermodynamic stability) indicates that this missense variant is not expected to disrupt LIG4 protein function with a negative predictive value of 80%. In summary, the available evidence is currently insufficient to determine the role of this variant in disease. Therefore, it has been classified as a Variant of Uncertain Significance.

NM_206937.2(LIG4):c.1598C>G (p.Ala533Gly)

Gene: LIG4 (DNA ligase 4; minus strand). Cytogenetic location: 13q33.3.
Variant type: single nucleotide variant.
Coding change: c.1598C>G on transcript NM_206937.2 (MANE Select); coding-DNA position 1598, C replaced by G.
Protein change: p.Ala533Gly; replaces alanine 533 with glycine.
Molecular consequence: missense variant.
Genome position (GRCh38, 1-based): chr13:108,209,671, G>C on the plus strand (C>G on the coding strand, the complement: LIG4 is on the minus strand). VCF-style: chr13-108209671-G-C. GRCh37 (hg19) VCF-style: chr13-108862019-G-C.
Other names: c.1598C>G, p.Ala533Gly (NM_001098268.2, NM_001352598.2, NM_001352599.2 and 6 more transcripts); c.1397C>G, p.Ala466Gly (NM_001330595.2); c.1634C>G, p.Ala545Gly (NM_001352604.2); short protein forms A545G, A533G, A466G.
Identifiers: ClinVar variation 2165524 (VCV002165524.4), dbSNP rs1594458788, ClinGen allele CA388616707.